The following is an entry in ClinVar:

ClinVar aggregate classification (germline): Uncertain significance (1 of 4 stars; one submission).

gnomAD v4.1: 2 of 1,545,394 alleles (0.00013%); highest among the groups gnomAD compares: Admixed American, 0.002%; no homozygotes.

Submission:

Labcorp Genetics (formerly Invitae), Labcorp
Classification: Uncertain significance. Last evaluated: 2022-09-06. Review status: criteria provided, single submitter. Criteria: Invitae Variant Classification Sherloc (09022015). Collection method: clinical testing. Allele origin: germline.
Comment: This variant has not been reported in the literature in individuals affected with USH1G-related conditions. This variant is not present in population databases (gnomAD no frequency). This sequence change replaces arginine, which is basic and polar, with cysteine, which is neutral and slightly polar, at codon 54 of the USH1G protein (p.Arg54Cys). ClinVar contains an entry for this variant (Variation ID: 965465). In summary, the available evidence is currently insufficient to determine the role of this variant in disease. Therefore, it has been classified as a Variant of Uncertain Significance. Algorithms developed to predict the effect of missense changes on protein structure and function are either unavailable or do not agree on the potential impact of this missense change (SIFT: "Not Available"; PolyPhen-2: "Probably Damaging"; Align-GVGD: "Not Available").

NM_173477.5(USH1G):c.160C>T (p.Arg54Cys)

Gene: USH1G (USH1 protein network component sans; minus strand). Cytogenetic location: 17q25.1.
Variant type: single nucleotide variant.
Coding change: c.160C>T on transcript NM_173477.5 (MANE Select); coding-DNA position 160, C replaced by T.
Protein change: p.Arg54Cys; replaces arginine 54 with cysteine.
Molecular consequence: missense variant. On other transcripts: 5 prime UTR variant (1).
Genome position (GRCh38, 1-based): chr17:74,922,914, G>A on the plus strand (C>T on the coding strand, the complement: USH1G is on the minus strand). VCF-style: chr17-74922914-G-A. GRCh37 (hg19) VCF-style: chr17-72919009-G-A.
Other names: c.-97C>T (NM_001282489.3); short protein forms R54C.
Identifiers: ClinVar variation 965465 (VCV000965465.9), dbSNP rs1295944105, ClinGen allele CA400967814.